The following is an entry in ClinVar:

NM_001267550.2(TTN):c.105154G>C (p.Val35052Leu)

Genes: TTN-AS1 (TTN antisense RNA 1; plus strand), TTN (titin; minus strand), LOC129935185 (ATAC-STARR-seq lymphoblastoid active region 16810; plus strand). Cytogenetic location: 2q31.2.
Variant type: single nucleotide variant.
Coding change: c.105154G>C on transcript NM_001267550.2 (MANE Select); coding-DNA position 105154, G replaced by C.
Protein change: p.Val35052Leu; replaces valine 35052 with leucine.
Molecular consequence: missense variant.
Genome position (GRCh38, 1-based): chr2:178,531,461, C>G on the plus strand (G>C on the coding strand, the complement: TTN is on the minus strand). VCF-style: chr2-178531461-C-G. GRCh37 (hg19) VCF-style: chr2-179396188-C-G.
Other names: c.100231G>C, p.Val33411Leu (NM_001256850.1); c.77959G>C, p.Val25987Leu (NM_003319.4); c.97450G>C, p.Val32484Leu (NM_133378.4); c.78334G>C, p.Val26112Leu (NM_133432.3); c.78535G>C, p.Val26179Leu (NM_133437.4); short protein forms V26112L, V32484L, V35052L, V33411L, V26179L, V25987L.
Identifiers: ClinVar variation 953086 (VCV000953086.10), dbSNP rs751583336, ClinGen allele CA349409377.

ClinVar aggregate classification (germline): Uncertain significance (1 of 4 stars; one submission).

Conditions:
Dilated cardiomyopathy 1G (CMD1G). Identifiers: Orphanet 154, MedGen C1858763, MONDO:0011400, OMIM 604145.
Autosomal recessive limb-girdle muscular dystrophy type 2J (LGMDR10). Also called: Limb-girdle muscular dystrophy, type 2J; MUSCULAR DYSTROPHY, LIMB-GIRDLE, AUTOSOMAL RECESSIVE 10. Identifiers: Orphanet 140922, MedGen C1837342, MONDO:0012127, OMIM 608807.

gnomAD v4.1: 2 of 1,613,916 alleles (0.00012%); highest among the groups gnomAD compares: Non-Finnish European, 0.00017%; no homozygotes.

Submission:

Labcorp Genetics (formerly Invitae), Labcorp
Classification: Uncertain significance for Dilated cardiomyopathy 1G; Autosomal recessive limb-girdle muscular dystrophy type 2J. Last evaluated: 2022-08-09. Review status: criteria provided, single submitter. Criteria: Invitae Variant Classification Sherloc (09022015). Collection method: clinical testing. Allele origin: germline.
Comment: In summary, the available evidence is currently insufficient to determine the role of this variant in disease. Therefore, it has been classified as a Variant of Uncertain Significance. This variant is located in the M band of TTN (PMID: 25589632). Variants in this region may be relevant for neuromuscular disorders, but have not been definitively shown to cause cardiomyopathy (PMID: 23975875). Algorithms developed to predict the effect of missense changes on protein structure and function output the following: SIFT: "Not Available"; PolyPhen-2: "Not Available"; Align-GVGD: "Not Available". The leucine amino acid residue is found in multiple mammalian species, which suggests that this missense change does not adversely affect protein function. ClinVar contains an entry for this variant (Variation ID: 953086). This missense change has been observed in individual(s) with clinical features of TTN-related conditions (Invitae). This variant is present in population databases (no rsID available, gnomAD 0.0009%). This sequence change replaces valine, which is neutral and non-polar, with leucine, which is neutral and non-polar, at codon 35052 of the TTN protein (p.Val35052Leu).

Literature cited by the submitters: PubMed 25589632; PubMed 23975875.